The following is an entry in ClinVar:

ClinVar aggregate classification (germline): Uncertain significance (1 of 4 stars; one submission).

Conditions:
Hereditary cancer-predisposing syndrome. Also called: Hereditary Cancer Syndrome; Hereditary neoplastic syndrome; Tumor predisposition; Neoplastic Syndromes, Hereditary. Identifiers: Orphanet 140162, MedGen C0027672, MeSH D009386, MONDO:0015356.
Cardiovascular phenotype. Identifiers: MedGen CN230736.

Submission:

Ambry Genetics
Classification: Uncertain significance for Cardiovascular phenotype; Hereditary cancer-predisposing syndrome. Last evaluated: 2024-10-15. Review status: criteria provided, single submitter. Criteria: Ambry Variant Classification Scheme 2023. Collection method: clinical testing. Allele origin: germline.
Comment: The p.M713I variant (also known as c.2139G>A), located in coding exon 18 of the LZTR1 gene, results from a G to A substitution at nucleotide position 2139. The methionine at codon 713 is replaced by isoleucine, an amino acid with highly similar properties. This amino acid position is conserved. In addition, the in silico prediction for this alteration is inconclusive. Based on the available evidence, the clinical significance of this variant remains unclear.

NM_006767.4(LZTR1):c.2139G>A (p.Met713Ile)

Gene: LZTR1 (leucine zipper like post translational regulator 1; plus strand). Cytogenetic location: 22q11.21.
Variant type: single nucleotide variant.
Coding change: c.2139G>A on transcript NM_006767.4 (MANE Select); coding-DNA position 2139, G replaced by A.
Protein change: p.Met713Ile; replaces methionine 713 with isoleucine.
Molecular consequence: missense variant.
Genome position (GRCh38, 1-based): chr22:20,996,032, G>A. VCF-style: chr22-20996032-G-A. GRCh37 (hg19) VCF-style: chr22-21350321-G-A.
Other names: short protein forms M713I.
Identifiers: ClinVar variation 3541663 (VCV003541663.1).
Genomic context (GRCh38, chr22:20,996,032, plus strand): 5'-AGCCATGTTCCGGTCCTTCATGCCCGAAGATGGGCAGGTGAACATCTCCATCGGGGAGAT[G>A]GTGCCCAGCAGGCAGGCCTTCGAGTCCATGCTGCGCTACATCTACTACGGCGAGGTCAAC-3'
Protein context (NP_006758.2, residues 703-723): DGQVNISIGE[Met713Ile]VPSRQAFESM